The following is an entry in ClinVar:

ClinVar aggregate classification (germline): Uncertain significance (1 of 4 stars; one submission).

Conditions:
UCP3-related disorder. Also called: UCP3-related condition.

Allele frequency attached by ClinVar (database versions not stated): gnomAD exomes 0.00003; ExAC 0.00004; TOPMed 0.00005; gnomAD 0.00007; 1000 Genomes Project 30x 0.00031; 1000 Genomes Project 0.00040.
gnomAD v4.1: 49 of 1,611,814 alleles (0.003%); highest among the groups gnomAD compares: East Asian, 0.06%; 1 homozygote.

Submission:

PreventionGenetics, part of Exact Sciences
Classification: Uncertain significance for UCP3-related condition. Last evaluated: 2026-03-09. Review status: criteria provided, single submitter. Criteria: ACMG Guidelines, 2015. Collection method: clinical testing. Allele origin: germline.
Comment: The UCP3 c.209G>A variant is predicted to result in the amino acid substitution p.Arg70Gln. To our knowledge, this variant has not been reported in the literature. However, an alternate amino acid substitution affecting the same residue (p.Arg70Trp) was reported in an individual with diabetes and severe obesity, and functional studies supported its pathogenicity (Brown et al. 1999. PubMed ID: 10618503). This variant is reported in 0.012% of alleles in individuals of African descent in gnomAD. At this time, the clinical significance of this variant is uncertain due to the absence of conclusive functional and genetic evidence.

NM_003356.4(UCP3):c.209G>A (p.Arg70Gln)

Gene: UCP3 (uncoupling protein 3; minus strand). Cytogenetic location: 11q13.4.
Variant type: single nucleotide variant.
Coding change: c.209G>A on transcript NM_003356.4 (MANE Select); coding-DNA position 209, G replaced by A.
Protein change: p.Arg70Gln; replaces arginine 70 with glutamine.
Molecular consequence: missense variant.
Genome position (GRCh38, 1-based): chr11:74,006,297, C>T on the plus strand (G>A on the coding strand, the complement: UCP3 is on the minus strand). VCF-style: chr11-74006297-C-T. GRCh37 (hg19) VCF-style: chr11-73717342-C-T.
Other names: c.209G>A, p.Arg70Gln (NM_022803.3); short protein forms R70Q.
Identifiers: ClinVar variation 2634192 (VCV002634192.3), dbSNP rs58614015, ClinGen allele CA6181590.